The following is an entry in ClinVar:

ClinVar aggregate classification (germline): Uncertain significance (1 of 4 stars; one submission).

Submission:

Ambry Genetics
Classification: Uncertain significance. Last evaluated: 2026-07-24. Review status: criteria provided, single submitter. Criteria: Ambry Variant Classification Scheme 2023. Collection method: clinical testing. Allele origin: germline.
Comment: The p.M1453I variant (also known as c.4359G>A), located in coding exon 31 of the MYOM1 gene, results from a G to A substitution at nucleotide position 4359. The methionine at codon 1453 is replaced by isoleucine, an amino acid with highly similar properties. This amino acid position is conserved. In addition, this alteration is predicted to be tolerated by in silico analysis. Based on the available evidence, the clinical significance of this variant remains unclear.

NM_003803.4(MYOM1):c.4359G>A (p.Met1453Ile)

Gene: MYOM1 (myomesin 1; minus strand). Cytogenetic location: 18p11.31.
Variant type: single nucleotide variant.
Coding change: c.4359G>A on transcript NM_003803.4 (MANE Select); coding-DNA position 4359, G replaced by A.
Protein change: p.Met1453Ile; replaces methionine 1453 with isoleucine.
Molecular consequence: missense variant.
Genome position (GRCh38, 1-based): chr18:3,084,008, C>T on the plus strand (G>A on the coding strand, the complement: MYOM1 is on the minus strand). VCF-style: chr18-3084008-C-T. GRCh37 (hg19) VCF-style: chr18-3084006-C-T.
Other names: c.4071G>A, p.Met1357Ile (NM_019856.2); short protein forms M1357I, M1453I.
Identifiers: ClinVar variation 5025277 (VCV005025277.1).